The following is an entry in ClinVar:

NM_021831.6(AGBL5):c.1282G>A (p.Ala428Thr)

Gene: AGBL5 (AGBL carboxypeptidase 5; plus strand). Cytogenetic location: 2p23.3.
Variant type: single nucleotide variant.
Coding change: c.1282G>A on transcript NM_021831.6 (MANE Select); coding-DNA position 1282, G replaced by A.
Protein change: p.Ala428Thr; replaces alanine 428 with threonine.
Molecular consequence: missense variant. On other transcripts: non-coding transcript variant (2).
Genome position (GRCh38, 1-based): chr2:27,056,055, G>A. VCF-style: chr2-27056055-G-A. GRCh37 (hg19) VCF-style: chr2-27278923-G-A.
Other names: c.1282G>A, p.Ala428Thr (NM_001035506.1, NM_001035507.3); short protein forms A428T.
Identifiers: ClinVar variation 1715582 (VCV001715582.5), dbSNP rs2465465966, ClinGen allele CA346180699.

ClinVar aggregate classification (germline): Uncertain significance (1 of 4 stars; one submission).

Submission:

Labcorp Genetics (formerly Invitae), Labcorp
Classification: Uncertain significance. Last evaluated: 2022-08-07. Review status: criteria provided, single submitter. Criteria: Invitae Variant Classification Sherloc (09022015). Collection method: clinical testing. Allele origin: germline.
Comment: In summary, the available evidence is currently insufficient to determine the role of this variant in disease. Therefore, it has been classified as a Variant of Uncertain Significance. Algorithms developed to predict the effect of missense changes on protein structure and function are either unavailable or do not agree on the potential impact of this missense change (SIFT: "Tolerated"; PolyPhen-2: "Probably Damaging"; Align-GVGD: "Class C0"). This variant has not been reported in the literature in individuals affected with AGBL5-related conditions. This variant is not present in population databases (gnomAD no frequency). This sequence change replaces alanine, which is neutral and non-polar, with threonine, which is neutral and polar, at codon 428 of the AGBL5 protein (p.Ala428Thr).